The following is an entry in ClinVar:

NM_024417.5(FDXR):c.926G>A (p.Arg309Gln)

Gene: FDXR (ferredoxin reductase; minus strand). Cytogenetic location: 17q25.1.
Variant type: single nucleotide variant.
Coding change: c.926G>A on transcript NM_024417.5 (MANE Select); coding-DNA position 926, G replaced by A.
Protein change: p.Arg309Gln; replaces arginine 309 with glutamine.
Molecular consequence: missense variant. On other transcripts: non-coding transcript variant (1).
Genome position (GRCh38, 1-based): chr17:74,864,224, C>T on the plus strand (G>A on the coding strand, the complement: FDXR is on the minus strand). VCF-style: chr17-74864224-C-T. GRCh37 (hg19) VCF-style: chr17-72860346-C-T.
Other names: c.1055G>A, p.Arg352Gln (NM_001258012.4); c.1019G>A, p.Arg340Gln (NM_001258013.4); c.902G>A, p.Arg301Gln (NM_001258014.4); c.806G>A, p.Arg269Gln (NM_001258015.3); c.770G>A, p.Arg257Gln (NM_001258016.3); c.944G>A, p.Arg315Gln (NM_004110.6); short protein forms R257Q, R269Q, R301Q, R309Q, R315Q, R340Q, R352Q.
Identifiers: ClinVar variation 1339003 (VCV001339003.3), dbSNP rs948669536, ClinGen allele CA293971056.

ClinVar aggregate classification (germline): Uncertain significance. Review status: criteria provided, multiple submitters, no conflicts (2 of 4 stars). 2 submissions from 2 submitters: Uncertain significance (2). Last evaluated 2025-09-10.

Conditions:
Auditory neuropathy-optic atrophy syndrome. Also called: AUDITORY NEUROPATHY AND OPTIC ATROPHY; MULTIPLE MITOCHONDRIAL DYSFUNCTIONS SYNDROME 9A. Identifiers: Orphanet 542585, MedGen C4521678, MONDO:0060582, OMIM 617717.

Allele frequency attached by ClinVar (database versions not stated): gnomAD 0.00001; gnomAD exomes 0.00001 and below 0.00001; TOPMed 0.00001.
gnomAD v4.1: 11 of 1,608,088 alleles (0.00068%); highest among the groups gnomAD compares: African/African-American, 0.0027%; no homozygotes.

Submissions (2):

Genomic Medicine Center of Excellence, King Faisal Specialist Hospital and Research Centre
Classification: Uncertain significance for Auditory neuropathy-optic atrophy syndrome. Last evaluated: 2025-09-10. Review status: criteria provided, single submitter. Criteria: ACMG Guidelines, 2015. Collection method: clinical testing. Allele origin: germline.

Neuberg Centre For Genomic Medicine, NCGM
Classification: Uncertain significance for Auditory neuropathy-optic atrophy syndrome. Review status: criteria provided, single submitter. Criteria: ACMG Guidelines, 2015. Collection method: clinical testing. Allele origin: germline. Affected: yes.
Comment: The missense variant p.R309Q in FDXR (NM_024417.5) has not been reported previously as a pathogenic variant nor as a benign variant, to our knowledge. The p.R309Q variant is observed in 1/1,07,464 (0.0009%) alleles from individuals of European (Non-Finnish) background in gnomAD Exomes and is novel (not in any individuals) in 1000 Genomes. The p.R309Q missense variant is predicted to be damaging by both SIFT and PolyPhen2. The arginine residue at codon 309 of FDXR is conserved in all mammalian species. The nucleotide c.926 in FDXR is predicted conserved by GERP++ and PhyloP across 100 vertebrates. For these reasons, this variant has been classified as Uncertain Significance.